The following is an entry in ClinVar:

NM_020634.3(GDF3):c.8G>A (p.Arg3His)

Gene: GDF3 (growth differentiation factor 3; minus strand). Cytogenetic location: 12p13.31.
Variant type: single nucleotide variant.
Coding change: c.8G>A on transcript NM_020634.3 (MANE Select); coding-DNA position 8, G replaced by A.
Protein change: p.Arg3His; replaces arginine 3 with histidine.
Molecular consequence: missense variant.
Genome position (GRCh38, 1-based): chr12:7,695,721, C>T on the plus strand (G>A on the coding strand, the complement: GDF3 is on the minus strand). VCF-style: chr12-7695721-C-T. GRCh37 (hg19) VCF-style: chr12-7848317-C-T.
Other names: short protein forms R3H.
Identifiers: ClinVar variation 1308099 (VCV001308099.2), dbSNP rs760348396, ClinGen allele CA6429334.
Genomic context (GRCh38, chr12:7,695,721, plus strand): 5'-TGGACTGCCTGGCCCAAAGCCAGAATTAACAGGAAGCTGAAAGCCAAATCTGGCAAGAAA[C>T]GAAGCATGGCCTCTGGAGTGGCTGTCAGACCGGGGAGAGCTCCACTGCCAGACTGCCCAA-3'
Protein context (NP_065685.1, residues 1-13): ML[Arg3His]FLPDLAFSFL

ClinVar aggregate classification (germline): Uncertain significance (1 of 4 stars; one submission).

Allele frequency attached by ClinVar (database versions not stated): ExAC 0.00003.

Submission:

GeneDx
Classification: Uncertain significance. Last evaluated: 2019-09-05. Review status: criteria provided, single submitter. Criteria: GeneDx Variant Classification Process June 2021. Collection method: clinical testing. Allele origin: germline. Affected: yes.
Comment: In silico analysis, which includes protein predictors and evolutionary conservation, supports that this variant does not alter protein structure/function; Has not been previously published as pathogenic or benign to our knowledge